The following is an entry in ClinVar:

NM_001065.4(TNFRSF1A):c.209A>G (p.Asn70Ser)

Gene: TNFRSF1A (TNF receptor superfamily member 1A; minus strand). Cytogenetic location: 12p13.31.
Variant type: single nucleotide variant.
Coding change: c.209A>G on transcript NM_001065.4 (MANE Select); coding-DNA position 209, A replaced by G.
Protein change: p.Asn70Ser; replaces asparagine 70 with serine.
Molecular consequence: missense variant. On other transcripts: 5 prime UTR variant (2), non-coding transcript variant (1).
Genome position (GRCh38, 1-based): chr12:6,333,850, T>C on the plus strand (A>G on the coding strand, the complement: TNFRSF1A is on the minus strand). VCF-style: chr12-6333850-T-C. GRCh37 (hg19) VCF-style: chr12-6443016-T-C.
Other names: c.-116A>G (NM_001346091.2); c.-369A>G (NM_001346092.2); short protein forms N70S.
Identifiers: ClinVar variation 1006432 (VCV001006432.9), dbSNP rs1948084769, ClinGen allele CA383550735.

ClinVar aggregate classification (germline): Uncertain significance (1 of 4 stars; one submission).

Conditions:
TNF receptor-associated periodic fever syndrome (TRAPS) (FPF). Also called: FAMILIAL HIBERNIAN FEVER; TNF RECEPTOR-ASSOCIATED PERIODIC SYNDROME; TUMOR NECROSIS FACTOR RECEPTOR-ASSOCIATED PERIODIC SYNDROME; TNF receptor 1-associated periodic fever syndrome; TNF Receptor-Associated Periodic Fever Syndrome; Autosomal Dominant Familial Periodic Fever. Identifiers: Orphanet 32960, MedGen C1275126, MONDO:0007727, OMIM 142680.

Submission:

Labcorp Genetics (formerly Invitae), Labcorp
Classification: Uncertain significance for TNF receptor-associated periodic fever syndrome (TRAPS). Last evaluated: 2023-04-09. Review status: criteria provided, single submitter. Criteria: Invitae Variant Classification Sherloc (09022015). Collection method: clinical testing. Allele origin: germline.
Comment: This variant has not been reported in the literature in individuals affected with TNFRSF1A-related conditions. This variant is not present in population databases (gnomAD no frequency). This sequence change replaces asparagine, which is neutral and polar, with serine, which is neutral and polar, at codon 70 of the TNFRSF1A protein (p.Asn70Ser). ClinVar contains an entry for this variant (Variation ID: 1006432). In summary, the available evidence is currently insufficient to determine the role of this variant in disease. Therefore, it has been classified as a Variant of Uncertain Significance. Algorithms developed to predict the effect of missense changes on protein structure and function output the following: SIFT: "Not Available"; PolyPhen-2: "Benign"; Align-GVGD: "Not Available". The serine amino acid residue is found in multiple mammalian species, which suggests that this missense change does not adversely affect protein function.